The following is an entry in ClinVar:

ClinVar aggregate classification (germline): Uncertain significance (1 of 4 stars; one submission).

Submission:

Labcorp Genetics (formerly Invitae), Labcorp
Classification: Uncertain significance. Last evaluated: 2021-06-17. Review status: criteria provided, single submitter. Criteria: Invitae Variant Classification Sherloc (09022015). Collection method: clinical testing. Allele origin: germline.
Comment: In summary, the available evidence is currently insufficient to determine the role of this variant in disease. Therefore, it has been classified as a Variant of Uncertain Significance. Algorithms developed to predict the effect of missense changes on protein structure and function (SIFT, PolyPhen-2, Align-GVGD) all suggest that this variant is likely to be disruptive, but these predictions have not been confirmed by published functional studies and their clinical significance is uncertain. This variant has not been reported in the literature in individuals with MYCN-related conditions. This variant is not present in population databases (ExAC no frequency). This sequence change replaces leucine with arginine at codon 433 of the MYCN protein (p.Leu433Arg). The leucine residue is highly conserved and there is a moderate physicochemical difference between leucine and arginine.

NM_005378.6(MYCN):c.1298T>G (p.Leu433Arg)

Gene: MYCN (MYCN proto-oncogene, bHLH transcription factor; plus strand). Cytogenetic location: 2p24.3.
Variant type: single nucleotide variant.
Coding change: c.1298T>G on transcript NM_005378.6 (MANE Select); coding-DNA position 1298, T replaced by G.
Protein change: p.Leu433Arg; replaces leucine 433 with arginine.
Molecular consequence: missense variant. On other transcripts: 3 prime UTR variant (1).
Genome position (GRCh38, 1-based): chr2:15,946,000, T>G. VCF-style: chr2-15946000-T-G. GRCh37 (hg19) VCF-style: chr2-16086122-T-G.
Other names: c.1298T>G, p.Leu433Arg (NM_001293228.2); c.665T>G, p.Leu222Arg (NM_001293231.2); c.*1233T>G (NM_001293233.2); short protein forms L222R, L433R.
Identifiers: ClinVar variation 1401477 (VCV001401477.8), dbSNP rs2103331896, ClinGen allele CA345932707.